The following is an entry in ClinVar:

NM_177972.3(TUB):c.205C>T (p.Pro69Ser)

Gene: TUB (TUB bipartite transcription factor; plus strand). Cytogenetic location: 11p15.4.
Variant type: single nucleotide variant.
Coding change: c.205C>T on transcript NM_177972.3 (MANE Select); coding-DNA position 205, C replaced by T.
Protein change: p.Pro69Ser; replaces proline 69 with serine.
Molecular consequence: missense variant.
Genome position (GRCh38, 1-based): chr11:8,090,183, C>T. VCF-style: chr11-8090183-C-T. GRCh37 (hg19) VCF-style: chr11-8111730-C-T.
Other names: c.370C>T, p.Pro124Ser (NM_003320.5); short protein forms P124S, P69S.
Identifiers: ClinVar variation 1352764 (VCV001352764.3), dbSNP rs890445202, ClinGen allele CA217415637.
Genomic context (GRCh38, chr11:8,090,183, plus strand): 5'-CAGGCCAATGCAGATGGGCGGCCCCGGAGCCGGCGGGCCCGGCAGTCAGAGGAACAAGCC[C>T]CCCTGGTGGAGTCCTACCTCAGCAGCAGTGGCAGCACCAGCTACCAAGGTATACCTTGCC-3'
Protein context (NP_813977.1, residues 59-79): RRARQSEEQA[Pro69Ser]LVESYLSSSG

ClinVar aggregate classification (germline): Uncertain significance (1 of 4 stars; one submission).

Allele frequency attached by ClinVar (database versions not stated): gnomAD exomes below 0.00001 and 0.00003.

Submission:

Labcorp Genetics (formerly Invitae), Labcorp
Classification: Uncertain significance. Last evaluated: 2022-03-27. Review status: criteria provided, single submitter. Criteria: Invitae Variant Classification Sherloc (09022015). Collection method: clinical testing. Allele origin: germline.
Comment: This sequence change replaces proline, which is neutral and non-polar, with serine, which is neutral and polar, at codon 124 of the TUB protein (p.Pro124Ser). This variant is present in population databases (no rsID available, gnomAD 0.0009%). This variant has not been reported in the literature in individuals affected with TUB-related conditions. Algorithms developed to predict the effect of missense changes on protein structure and function are either unavailable or do not agree on the potential impact of this missense change (SIFT: "Tolerated"; PolyPhen-2: "Probably Damaging"; Align-GVGD: "Class C0"). In summary, the available evidence is currently insufficient to determine the role of this variant in disease. Therefore, it has been classified as a Variant of Uncertain Significance.